The following is an entry in ClinVar:

NM_001394894.2(NLRP11):c.2343-32A>G

Gene: NLRP11 (NLR family pyrin domain containing 11; minus strand). Cytogenetic location: 19q13.42.
Variant type: single nucleotide variant.
Coding change: c.2343-32A>G on transcript NM_001394894.2 (MANE Select); 32 bases into the intron before coding-DNA position 2343, A replaced by G.
Molecular consequence: intron variant.
Genome position (GRCh38, 1-based): chr19:55,792,503, T>C on the plus strand (A>G on the coding strand, the complement: NLRP11 is on the minus strand). VCF-style: chr19-55792503-T-C. GRCh37 (hg19) VCF-style: chr19-56303869-T-C.
Other names: c.2046-32A>G (NM_001297743.3); c.2181-32A>G (NM_001385451.2); c.2343-32A>G (NM_001385453.2, NM_145007.5).
Identifiers: ClinVar variation 103274 (VCV000103274.3), dbSNP rs199476240, ClinGen allele CA230350.
Genomic context (GRCh38, chr19:55,792,503, plus strand): 5'-AATTTTCAGTGAGACAGCAGAAGACTAACCTGCACACAGAGAAGAGTGAGTCAGTGACAG[T>C]GTGAGCACCAGAGAGGGGAGCACCTGAGACCACCCACCCCACGCCCACGGGCGCCTCGAT-3'

ClinVar aggregate classification (germline): not provided (0 of 4 stars; one submission).

gnomAD v4.1: 5 of 1,602,396 alleles (0.00031%); no homozygotes.

Submission:

Human Evolutionary Genetics, Institut Pasteur
No classification provided. Review status: no classification provided. Collection method: not provided. Allele origin: germline.
ClinVar note: Converted during submission from untested to not provided.